The following is an entry in ClinVar:

NM_002677.5(PMP2):c.74G>T (p.Gly25Val)

Gene: PMP2 (peripheral myelin protein 2; minus strand). Cytogenetic location: 8q21.13.
Variant type: single nucleotide variant.
Coding change: c.74G>T on transcript NM_002677.5 (MANE Select); coding-DNA position 74, G replaced by T.
Protein change: p.Gly25Val; replaces glycine 25 with valine.
Molecular consequence: missense variant. On other transcripts: intron variant (1).
Genome position (GRCh38, 1-based): chr8:81,444,989, C>A on the plus strand (G>T on the coding strand, the complement: PMP2 is on the minus strand). VCF-style: chr8-81444989-C-A. GRCh37 (hg19) VCF-style: chr8-82357224-C-A.
Other names: c.74-388G>T (NM_001348381.2); short protein forms G25V.
Identifiers: ClinVar variation 1506656 (VCV001506656.8), dbSNP rs376781525, ClinGen allele CA371518454.

ClinVar aggregate classification (germline): Uncertain significance (1 of 4 stars; one submission).

gnomAD v4.1: 5 of 1,611,360 alleles (0.00031%); highest among the groups gnomAD compares: Admixed American, 0.0034%; no homozygotes.

Submission:

Labcorp Genetics (formerly Invitae), Labcorp
Classification: Uncertain significance. Last evaluated: 2024-01-19. Review status: criteria provided, single submitter. Criteria: Invitae Variant Classification Sherloc (09022015). Collection method: clinical testing. Allele origin: germline.
Comment: This sequence change replaces glycine, which is neutral and non-polar, with valine, which is neutral and non-polar, at codon 25 of the PMP2 protein (p.Gly25Val). This variant is present in population databases (no rsID available, gnomAD 0.007%). This variant has not been reported in the literature in individuals affected with PMP2-related conditions. ClinVar contains an entry for this variant (Variation ID: 1506656). An algorithm developed to predict the effect of missense changes on protein structure and function (PolyPhen-2) suggests that this variant is likely to be disruptive. In summary, the available evidence is currently insufficient to determine the role of this variant in disease. Therefore, it has been classified as a Variant of Uncertain Significance.